The following is an entry in ClinVar:

NM_004304.5(ALK):c.4530G>A (p.Trp1510Ter)

Gene: ALK (ALK receptor tyrosine kinase; minus strand). Cytogenetic location: 2p23.2.
Variant type: single nucleotide variant.
Coding change: c.4530G>A on transcript NM_004304.5 (MANE Select); coding-DNA position 4530, G replaced by A.
Protein change: p.Trp1510Ter; replaces tryptophan 1510 with a stop codon.
Molecular consequence: nonsense.
Genome position (GRCh38, 1-based): chr2:29,193,557, C>T on the plus strand (G>A on the coding strand, the complement: ALK is on the minus strand). VCF-style: chr2-29193557-C-T. GRCh37 (hg19) VCF-style: chr2-29416423-C-T.
Other names: c.1326G>A, p.Trp442Ter (NM_001353765.2); short protein forms W442*, W1510*.
Identifiers: ClinVar variation 1489487 (VCV001489487.6), dbSNP rs772430445, ClinGen allele CA346460977.

ClinVar aggregate classification (germline): Uncertain significance (1 of 4 stars; one submission).

Conditions:
Neuroblastoma, susceptibility to, 3. Also called: ALK-Related Neuroblastic Tumor Susceptibility. Identifiers: Orphanet 635, MedGen C2751681, MONDO:0013083, OMIM 613014.

Submission:

Labcorp Genetics (formerly Invitae), Labcorp
Classification: Uncertain significance for Neuroblastoma, susceptibility to, 3. Last evaluated: 2021-11-17. Review status: criteria provided, single submitter. Criteria: Invitae Variant Classification Sherloc (09022015). Collection method: clinical testing. Allele origin: germline.
Comment: This sequence change creates a premature translational stop signal (p.Trp1510*) in the ALK gene. While this is not anticipated to result in nonsense mediated decay, it is expected to disrupt the last 111 amino acid(s) of the ALK protein. In summary, the available evidence is currently insufficient to determine the role of this variant in disease. Therefore, it has been classified as a Variant of Uncertain Significance. This variant has not been reported in the literature in individuals affected with ALK-related conditions. This variant is not present in population databases (gnomAD no frequency).